The following is an entry in ClinVar:

NM_001330078.2(NRXN1):c.2210C>T (p.Thr737Met)

Gene: NRXN1 (neurexin 1; minus strand). Cytogenetic location: 2p16.3.
Variant type: single nucleotide variant.
Coding change: c.2210C>T on transcript NM_001330078.2 (MANE Select); coding-DNA position 2210, C replaced by T.
Protein change: p.Thr737Met; replaces threonine 737 with methionine.
Molecular consequence: missense variant.
Genome position (GRCh38, 1-based): chr2:50,531,364, G>A on the plus strand (C>T on the coding strand, the complement: NRXN1 is on the minus strand). VCF-style: chr2-50531364-G-A. GRCh37 (hg19) VCF-style: chr2-50758502-G-A.
Other names: c.2330C>T, p.Thr777Met (NM_001135659.3); c.2186C>T, p.Thr729Met (NM_001330077.2, NM_001330082.2, NM_001330095.2); c.2171C>T, p.Thr724Met (NM_001330083.2, NM_001330084.2); c.2210C>T, p.Thr737Met (NM_001330085.2, NM_001330086.2, NM_004801.6); c.2126C>T, p.Thr709Met (NM_001330087.2, NM_001330096.2); c.2156C>T, p.Thr719Met (NM_001330088.2); c.2207C>T, p.Thr736Met (NM_001330093.2); c.2198C>T, p.Thr733Met (NM_001330094.2); short protein forms T777M, T719M, T724M, T709M, T729M, T736M, T733M, T737M.
Identifiers: ClinVar variation 378292 (VCV000378292.11), dbSNP rs199970666, ClinGen allele CA16604358.

ClinVar aggregate classification (germline): Uncertain significance. Review status: criteria provided, multiple submitters, no conflicts (2 of 4 stars). 3 submissions from 3 submitters: Uncertain significance (3). Last evaluated 2025-01-31.

Conditions:
Pitt-Hopkins-like syndrome 2 (PTHSL2). Identifiers: Orphanet 221150, Orphanet 600663, MedGen C3280479, MONDO:0013690, OMIM 614325.

Allele frequency attached by ClinVar (database versions not stated): gnomAD exomes 0.00001; gnomAD 0.00002 and 0.00003; TOPMed 0.00003.
gnomAD v4.1: 20 of 1,612,900 alleles (0.0012%); highest among the groups gnomAD compares: African/African-American, 0.0094%; no homozygotes.

Submissions (3):

Athena Diagnostics
Classification: Uncertain significance. Last evaluated: 2025-01-31. Review status: criteria provided, single submitter. Criteria: Athena Diagnostics Criteria. Collection method: clinical testing. Allele origin: unknown.
Comment: Available data are insufficient to determine the clinical significance of the variant at this time. The frequency of this variant in the general population is uninformative in assessment of its pathogenicity. Assessment of experimental evidence regarding the effect of this variant on protein function is inconclusive (PMID: 32942984). In some published literature, this variant is referred to as T737M.

Labcorp Genetics (formerly Invitae), Labcorp
Classification: Uncertain significance for Pitt-Hopkins-like syndrome 2. Last evaluated: 2024-12-10. Review status: criteria provided, single submitter. Criteria: Invitae Variant Classification Sherloc (09022015). Collection method: clinical testing. Allele origin: germline.
Comment: This sequence change replaces threonine, which is neutral and polar, with methionine, which is neutral and non-polar, at codon 777 of the NRXN1 protein (p.Thr777Met). The frequency data for this variant in the population databases is considered unreliable, as metrics indicate poor data quality at this position in the gnomAD database. This missense change has been observed in individual(s) with clinical features of NRXN1-related conditions (PMID: 32942984). This variant is also known as p.Thr737Met. ClinVar contains an entry for this variant (Variation ID: 378292). An algorithm developed to predict the effect of missense changes on protein structure and function (PolyPhen-2) suggests that this variant is likely to be disruptive. Experimental studies have shown that this missense change affects NRXN1 function (PMID: 32942984). In summary, the available evidence is currently insufficient to determine the role of this variant in disease. Therefore, it has been classified as a Variant of Uncertain Significance.

GeneDx
Classification: Uncertain significance. Last evaluated: 2016-08-31. Review status: criteria provided, single submitter. Criteria: GeneDx Variant Classification (06012015). Collection method: clinical testing. Allele origin: germline. Affected: yes.
Comment: A variant of uncertain significance has been identified in the NRXN1 gene. The T777M variant has not been published as a pathogenic variant, nor has it been reported as a benign variant to our knowledge. It was not observed in approximately 6,200 individuals of European and African American ancestry in the NHLBI Exome Sequencing Project, indicating it is not a common benign variant in these populations. The T777M variant is a non-conservative amino acid substitution, which is likely to impact secondary protein structure as these residues differ in polarity, charge, size and/or other properties. This substitution occurs at a position that is conserved across species, and in silico analysis predicts this variant is probably damaging to the protein structure/function. However, missense variants in nearby residues have not been reported in the Human Gene Mutation Database in association with epilepsy (Stenson et al., 2014). Based on the currently available information, it is unclear whether this variant is a pathogenic variant or a rare benign variant.

Literature cited by the submitters: PubMed 32942984 (cited by Athena Diagnostics and Labcorp Genetics (formerly Invitae), Labcorp).